The following is an entry in ClinVar:

NM_003001.5(SDHC):c.113T>C (p.Met38Thr)

Gene: SDHC (succinate dehydrogenase complex subunit C; plus strand). Cytogenetic location: 1q23.3.
Variant type: single nucleotide variant.
Coding change: c.113T>C on transcript NM_003001.5 (MANE Select); coding-DNA position 113, T replaced by C.
Protein change: p.Met38Thr; replaces methionine 38 with threonine.
Molecular consequence: missense variant. On other transcripts: initiator codon variant (2), non-coding transcript variant (1), intron variant (4).
Genome position (GRCh38, 1-based): chr1:161,328,431, T>C. VCF-style: chr1-161328431-T-C. GRCh37 (hg19) VCF-style: chr1-161298221-T-C.
Other names: c.113T>C, p.Met38Thr (NM_001035511.3, NM_001407115.1); c.56T>C, p.Met19Thr (NM_001407116.1, NM_001407117.1, NM_001407121.1); c.2T>C, p.Met1Thr (NM_001407119.1, NM_001407120.1); c.77+4761T>C (NM_001035512.3, NM_001278172.3, NM_001407118.1); c.21-12163T>C (NM_001035513.3); short protein forms M38T, M1T, M19T.
Identifiers: ClinVar variation 971677 (VCV000971677.12), dbSNP rs1671147353, ClinGen allele CA343361013.

ClinVar aggregate classification (germline): Uncertain significance (1 of 4 stars; one submission).

Conditions:
Gastrointestinal stromal tumor. Also called: Gastrointestinal stromal tumor, somatic; Gastrointestinal stroma tumor. Identifiers: Orphanet 44890, MedGen C0238198, MeSH D046152, MONDO:0011719, OMIM 606764, HP:0100723.
Pheochromocytoma/paraganglioma syndrome 3. Also called: GLOMUS TUMORS, FAMILIAL, 3; SDHC-Related Hereditary Paraganglioma-Pheochromocytoma Syndrome; Paragangliomas 3; SDHC-Related Hereditary Paraganglioma-Pheochromocytoma Syndrome (Paragangliomas 3). Identifiers: Orphanet 29072, MedGen C1854336, MONDO:0011544, OMIM 605373.

Submission:

Labcorp Genetics (formerly Invitae), Labcorp
Classification: Uncertain significance for Pheochromocytoma/paraganglioma syndrome 3; Gastrointestinal stromal tumor. Last evaluated: 2019-11-12. Review status: criteria provided, single submitter. Criteria: Invitae Variant Classification Sherloc (09022015). Collection method: clinical testing. Allele origin: germline.
Comment: This variant is not present in population databases (ExAC no frequency). In summary, the available evidence is currently insufficient to determine the role of this variant in disease. Therefore, it has been classified as a Variant of Uncertain Significance. Algorithms developed to predict the effect of missense changes on protein structure and function are either unavailable or do not agree on the potential impact of this missense change (SIFT: "Tolerated"; PolyPhen-2: "Possibly Damaging"; Align-GVGD: "Class C0"). This variant has not been reported in the literature in individuals with SDHC-related conditions. This sequence change replaces methionine with threonine at codon 38 of the SDHC protein (p.Met38Thr). The methionine residue is highly conserved and there is a moderate physicochemical difference between methionine and threonine.